The following is an entry in ClinVar:

NM_199420.4(POLQ):c.3374A>G (p.Asn1125Ser)

Gene: POLQ (DNA polymerase theta; minus strand). Cytogenetic location: 3q13.33.
Variant type: single nucleotide variant.
Coding change: c.3374A>G on transcript NM_199420.4 (MANE Select); coding-DNA position 3374, A replaced by G.
Protein change: p.Asn1125Ser; replaces asparagine 1125 with serine.
Molecular consequence: missense variant.
Genome position (GRCh38, 1-based): chr3:121,489,557, T>C on the plus strand (A>G on the coding strand, the complement: POLQ is on the minus strand). VCF-style: chr3-121489557-T-C. GRCh37 (hg19) VCF-style: chr3-121208404-T-C.
Other names: short protein forms N1125S.
Identifiers: ClinVar variation 3308605 (VCV003308605.1).

ClinVar aggregate classification (germline): Uncertain significance (1 of 4 stars; one submission).

Submission:

Ambry Genetics
Classification: Uncertain significance. Last evaluated: 2024-03-24. Review status: criteria provided, single submitter. Criteria: Ambry Variant Classification Scheme 2023. Collection method: clinical testing. Allele origin: germline.
Comment: The p.N1125S variant (also known as c.3374A>G), located in coding exon 16 of the POLQ gene, results from an A to G substitution at nucleotide position 3374. The asparagine at codon 1125 is replaced by serine, an amino acid with highly similar properties. This amino acid position is conserved. In addition, this alteration is predicted to be tolerated by in silico analysis. Based on the available evidence, the clinical significance of this alteration remains unclear.